The following is an entry in ClinVar:

NM_001193315.2(VIPAS39):c.1223A>G (p.His408Arg)

Gene: VIPAS39 (VPS33B interacting protein, apical-basolateral polarity regulator, spe-39 homolog; minus strand). Cytogenetic location: 14q24.3.
Variant type: single nucleotide variant.
Coding change: c.1223A>G on transcript NM_001193315.2 (MANE Select); coding-DNA position 1223, A replaced by G.
Protein change: p.His408Arg; replaces histidine 408 with arginine.
Molecular consequence: missense variant. On other transcripts: non-coding transcript variant (1), intron variant (4).
Genome position (GRCh38, 1-based): chr14:77,429,724, T>C on the plus strand (A>G on the coding strand, the complement: VIPAS39 is on the minus strand). VCF-style: chr14-77429724-T-C. GRCh37 (hg19) VCF-style: chr14-77896067-T-C.
Other names: c.1223A>G (NM_001193314.1, NM_022067.3); c.1223A>G, p.His408Arg (NM_001193314.2, NM_001193317.2, NM_001400326.1 and 2 more transcripts); c.1076A>G, p.His359Arg (NM_001193316.2, NM_001400324.1, NM_001400325.1); c.1190A>G, p.His397Arg (NM_001400327.1); c.1130A>G, p.His377Arg (NM_001400333.1, NM_001400334.1); c.1088A>G, p.His363Arg (NM_001400336.1); c.983A>G, p.His328Arg (NM_001400337.1); c.938A>G, p.His313Arg (NM_001400339.1); and 2 more; short protein forms H328R, H377R, H397R, H359R, H408R, H313R, H363R.
Identifiers: ClinVar variation 2077747 (VCV002077747.3), dbSNP rs781579264, ClinGen allele CA7287792.

ClinVar aggregate classification (germline): Uncertain significance. Review status: criteria provided, multiple submitters, no conflicts (2 of 4 stars). 4 submissions from 4 submitters: Uncertain significance (4). Last evaluated 2026-08-06.

Conditions:
VIPAS39-related disorder. Also called: VIPAS39-related condition.
Inborn genetic diseases. Identifiers: MedGen C0950123, MeSH D030342.

Allele frequency attached by ClinVar (database versions not stated): TOPMed 0.00020.
gnomAD v4.1: 54 of 1,614,088 alleles (0.0033%); highest among the groups gnomAD compares: Admixed American, 0.065%; no homozygotes.

Submissions (4):

OLLIN Analises Genomicas, OLLIN
Classification: Uncertain significance. Last evaluated: 2026-08-06. Review status: criteria provided, single submitter. Criteria: ACMG Guidelines 2015 PMID 25741868. Collection method: clinical testing. Allele origin: germline.
Comment: This missense variant, located in exon 17 (of 20), has been reported in ClinVar (accession VCV002077747.2) and in gnomAD with an allele frequency of 0.0033%. However, to our knowledge, it has not been reported in the scientific literature. In silico analysis predicts that this variant has a tolerated effect. According to the currently available evidence, this variant has been classified as uncertain significance (PM2_P, BP4_M).

PreventionGenetics, part of Exact Sciences
Classification: Uncertain significance for VIPAS39-related condition. Last evaluated: 2026-02-13. Review status: criteria provided, single submitter. Criteria: ACMG Guidelines, 2015. Collection method: clinical testing. Allele origin: germline.
Comment: The VIPAS39 c.1223A>G variant is predicted to result in the amino acid substitution p.His408Arg. To our knowledge, this variant has not been reported in the literature. This variant is reported in 0.056% of alleles in individuals of Latino descent in gnomAD. Although we suspect that this variant may be benign, at this time, the clinical significance of this variant is uncertain due to the absence of conclusive functional and genetic evidence.

Ambry Genetics
Classification: Uncertain significance for Inborn genetic diseases. Last evaluated: 2025-04-03. Review status: criteria provided, single submitter. Criteria: Ambry Variant Classification Scheme 2023. Collection method: clinical testing. Allele origin: germline.

Labcorp Genetics (formerly Invitae), Labcorp
Classification: Uncertain significance. Last evaluated: 2022-05-27. Review status: criteria provided, single submitter. Criteria: Invitae Variant Classification Sherloc (09022015). Collection method: clinical testing. Allele origin: germline.
Comment: This sequence change replaces histidine, which is basic and polar, with arginine, which is basic and polar, at codon 408 of the VIPAS39 protein (p.His408Arg). This variant is present in population databases (rs781579264, gnomAD 0.06%). This variant has not been reported in the literature in individuals affected with VIPAS39-related conditions. Algorithms developed to predict the effect of missense changes on protein structure and function are either unavailable or do not agree on the potential impact of this missense change (SIFT: "Tolerated"; PolyPhen-2: "Possibly Damaging"; Align-GVGD: "Class C0"). In summary, the available evidence is currently insufficient to determine the role of this variant in disease. Therefore, it has been classified as a Variant of Uncertain Significance.